The following is an entry in ClinVar:

NM_007194.4(CHEK2):c.1463A>T (p.Asp488Val)

Gene: CHEK2 (checkpoint kinase 2; minus strand). Cytogenetic location: 22q12.1.
Variant type: single nucleotide variant.
Coding change: c.1463A>T on transcript NM_007194.4 (MANE Select); coding-DNA position 1463, A replaced by T.
Protein change: p.Asp488Val; replaces aspartic acid 488 with valine.
Molecular consequence: missense variant.
Genome position (GRCh38, 1-based): chr22:28,689,214, T>A on the plus strand (A>T on the coding strand, the complement: CHEK2 is on the minus strand). VCF-style: chr22-28689214-T-A. GRCh37 (hg19) VCF-style: chr22-29085202-T-A.
Other names: c.1592A>T, p.Asp531Val (NM_001005735.3); c.800A>T, p.Asp267Val (NM_001257387.3); c.1262A>T, p.Asp421Val (NM_001349956.3); c.1376A>T, p.Asp459Val (NM_145862.3); short protein forms D267V, D531V, D488V, D459V, D421V.
Identifiers: ClinVar variation 1773195 (VCV001773195.7), dbSNP rs2517758720, ClinGen allele CA411092761.

ClinVar aggregate classification (germline): Uncertain significance. Review status: criteria provided, multiple submitters, no conflicts (2 of 4 stars). 2 submissions from 2 submitters: Uncertain significance (2). Last evaluated 2024-10-26.

Conditions:
Hereditary cancer-predisposing syndrome. Also called: Hereditary Cancer Syndrome; Hereditary neoplastic syndrome; Neoplastic Syndromes, Hereditary; Tumor predisposition. Identifiers: Orphanet 140162, MedGen C0027672, MeSH D009386, MONDO:0015356.
Familial cancer of breast. Also called: BREAST CANCER, FAMILIAL; Hereditary breast cancer; hereditary breast carcinoma. Identifiers: Orphanet 227535, MedGen C0346153, MONDO:0016419, OMIM 114480. Disease mechanism: loss of function.

Submissions (2):

Labcorp Genetics (formerly Invitae), Labcorp
Classification: Uncertain significance for Familial cancer of breast. Last evaluated: 2024-10-26. Review status: criteria provided, single submitter. Criteria: Invitae Variant Classification Sherloc (09022015). Collection method: clinical testing. Allele origin: germline.
Comment: This sequence change replaces aspartic acid, which is acidic and polar, with valine, which is neutral and non-polar, at codon 488 of the CHEK2 protein (p.Asp488Val). This variant is not present in population databases (gnomAD no frequency). This variant has not been reported in the literature in individuals affected with CHEK2-related conditions. ClinVar contains an entry for this variant (Variation ID: 1773195). An algorithm developed to predict the effect of missense changes on protein structure and function (PolyPhen-2) suggests that this variant is likely to be disruptive. In summary, the available evidence is currently insufficient to determine the role of this variant in disease. Therefore, it has been classified as a Variant of Uncertain Significance.

Ambry Genetics
Classification: Uncertain significance for Hereditary cancer-predisposing syndrome. Last evaluated: 2022-07-21. Review status: criteria provided, single submitter. Criteria: Ambry Variant Classification Scheme 2023. Collection method: clinical testing. Allele origin: germline.
Comment: The p.D488V variant (also known as c.1463A>T), located in coding exon 13 of the CHEK2 gene, results from an A to T substitution at nucleotide position 1463. The aspartic acid at codon 488 is replaced by valine, an amino acid with highly dissimilar properties. This amino acid position is highly conserved in available vertebrate species. In addition, the in silico prediction for this alteration is inconclusive. Since supporting evidence is limited at this time, the clinical significance of this alteration remains unclear.